The following is an entry in ClinVar:

ClinVar aggregate classification (germline): Pathogenic (1 of 4 stars; one submission).

Conditions:
Spastic paraplegia. Identifiers: MedGen C0037772, HP:0001258.

Submission:

Labcorp Genetics (formerly Invitae), Labcorp
Classification: Pathogenic for Spastic paraplegia. Last evaluated: 2023-10-14. Review status: criteria provided, single submitter. Criteria: Invitae Variant Classification Sherloc (09022015). Collection method: clinical testing. Allele origin: germline.
Comment: This sequence change creates a premature translational stop signal (p.Ser2267Leufs*28) in the SACS gene. While this is not anticipated to result in nonsense mediated decay, it is expected to disrupt the last 2313 amino acid(s) of the SACS protein. This variant is not present in population databases (gnomAD no frequency). This variant has not been reported in the literature in individuals affected with SACS-related conditions. This variant disrupts a region of the SACS protein in which other variant(s) (p.Asn4549Asp) have been determined to be pathogenic (PMID: 15156359, 21507954). This suggests that this is a clinically significant region of the protein, and that variants that disrupt it are likely to be disease-causing. For these reasons, this variant has been classified as Pathogenic.

Literature cited by the submitters: PubMed 15156359; PubMed 21507954.

NM_014363.6(SACS):c.6799del (p.Ser2267fs)

Gene: SACS (sacsin molecular chaperone; minus strand). Cytogenetic location: 13q12.12.
Variant type: Deletion.
Coding change: c.6799del on transcript NM_014363.6 (MANE Select); coding-DNA position 6799, one base deleted (T; older notation c.6799delT).
Protein change: p.Ser2267fs; shifts the reading frame from serine 2267.
Molecular consequence: frameshift variant.
Genome position (GRCh38, 1-based): chr13:23,337,077, A deleted on the plus strand (T on the coding strand, the reverse complement: SACS is on the minus strand); the first of 2 consecutive A bases (chr13:23,337,077-23,337,078); deleting either gives the same sequence. VCF-style (leftmost placement, unchanged base first): chr13-23337076-GA-G. GRCh37 (hg19) VCF-style: chr13-23911215-GA-G.
Other names: c.6358del, p.Ser2120fs (NM_001278055.2); short protein forms S2120fs, S2267fs.
Identifiers: ClinVar variation 2768319 (VCV002768319.3), dbSNP rs2542244171, ClinGen allele CA2697551672.